The following is an entry in ClinVar:

ClinVar aggregate classification (germline): Uncertain significance. Review status: criteria provided, multiple submitters, no conflicts (2 of 4 stars). 3 submissions from 3 submitters: Uncertain significance (3). Last evaluated 2025-12-21.

Conditions:
Inborn genetic diseases. Identifiers: MedGen C0950123, MeSH D030342.
Epidermolysis bullosa simplex 5B, with muscular dystrophy (EBS5B). Also called: EPIDERMOLYSIS BULLOSA SIMPLEX AND LIMB-GIRDLE MUSCULAR DYSTROPHY; Epidermolysis bullosa simplex with muscular dystrophy. Identifiers: Orphanet 257, MedGen C2931072, MONDO:0009181, OMIM 226670.
Autosomal recessive limb-girdle muscular dystrophy type 2Q (LGMDR17). Also called: MUSCULAR DYSTROPHY, LIMB-GIRDLE, AUTOSOMAL RECESSIVE 17. Identifiers: Orphanet 254361, MedGen C3150989, MONDO:0013390, OMIM 613723.
Epidermolysis bullosa simplex with nail dystrophy (EBS5D). Identifiers: MedGen C4225309, MONDO:0014661, OMIM 616487.
Epidermolysis bullosa simplex, Ogna type (EBS5A). Also called: Pidermolysis bullosa simplex 5A, Ogna type; EPIDERMOLYSIS BULLOSA SIMPLEX 5A, OGNA TYPE. Identifiers: Orphanet 79401, MedGen C0432317, MONDO:0007555, OMIM 131950.
Epidermolysis bullosa simplex 5C, with pyloric atresia (EBS5C). Also called: PLEC-Related Epidermolysis Bullosa with Pyloric Atresia; Epidermolysis bullosa simplex with pyloric atresia; PLEC1-Related Epidermolysis Bullosa with Pyloric Atresia. Identifiers: Orphanet 158684, MedGen C2677349, MONDO:0012807, OMIM 612138.
PLEC-related disorder. Also called: PLEC-related condition; PLEC-related disorders.

Allele frequency attached by ClinVar (database versions not stated): gnomAD exomes 0.00003; ExAC 0.00004; ESP Exome Variant Server 0.00008; gnomAD 0.00009; TOPMed 0.00011.
gnomAD v4.1: 34 of 1,603,584 alleles (0.0021%); highest among the groups gnomAD compares: African/African-American, 0.015%; no homozygotes.

Submissions (3):

Labcorp Genetics (formerly Invitae), Labcorp
Classification: Uncertain significance for Autosomal recessive limb-girdle muscular dystrophy type 2Q; Epidermolysis bullosa simplex, Ogna type; Epidermolysis bullosa simplex with nail dystrophy; Epidermolysis bullosa simplex 5C, with pyloric atresia; Epidermolysis bullosa simplex 5B, with muscular dystrophy. Last evaluated: 2025-12-21. Review status: criteria provided, single submitter. Criteria: Invitae Variant Classification Sherloc (09022015). Collection method: clinical testing. Allele origin: germline.
Comment: This sequence change replaces aspartic acid, which is acidic and polar, with asparagine, which is neutral and polar, at codon 3079 of the PLEC protein (p.Asp3079Asn). This variant is present in population databases (rs375732878, gnomAD 0.02%). This variant has not been reported in the literature in individuals affected with PLEC-related conditions. ClinVar contains an entry for this variant (Variation ID: 837247). An algorithm developed to predict the effect of missense changes on protein structure and function (PolyPhen-2) suggests that this variant is likely to be tolerated. In summary, the available evidence is currently insufficient to determine the role of this variant in disease. Therefore, it has been classified as a Variant of Uncertain Significance.

Ambry Genetics
Classification: Uncertain significance for Inborn genetic diseases. Last evaluated: 2023-02-10. Review status: criteria provided, single submitter. Criteria: Ambry Variant Classification Scheme 2023. Collection method: clinical testing. Allele origin: germline.

PreventionGenetics, part of Exact Sciences
Classification: Uncertain significance for PLEC-related condition. Last evaluated: 2022-12-16. Review status: criteria provided, single submitter. Criteria: ACMG Guidelines, 2015. Collection method: clinical testing. Allele origin: germline.
Comment: The PLEC c.9235G>A variant is predicted to result in the amino acid substitution p.Asp3079Asn. To our knowledge, this variant has not been reported in the literature. This variant is reported in 0.013% of alleles in individuals of African descent in gnomAD. At this time, the clinical significance of this variant is uncertain due to the absence of conclusive functional and genetic evidence.

NM_201384.3(PLEC):c.9154G>A (p.Asp3052Asn)

Gene: PLEC (plectin; minus strand). Cytogenetic location: 8q24.3.
Variant type: single nucleotide variant.
Coding change: c.9154G>A on transcript NM_201384.3 (MANE Select); coding-DNA position 9154, G replaced by A.
Protein change: p.Asp3052Asn; replaces aspartic acid 3052 with asparagine.
Molecular consequence: missense variant.
Genome position (GRCh38, 1-based): chr8:143,920,667, C>T on the plus strand (G>A on the coding strand, the complement: PLEC is on the minus strand). VCF-style: chr8-143920667-C-T. GRCh37 (hg19) VCF-style: chr8-144994835-C-T.
Other names: c.9235G>A, p.Asp3079Asn (NM_000445.5); c.9112G>A, p.Asp3038Asn (NM_201378.4); c.9088G>A, p.Asp3030Asn (NM_201379.3); c.9565G>A, p.Asp3189Asn (NM_201380.4); c.9058G>A, p.Asp3020Asn (NM_201381.3); c.9154G>A, p.Asp3052Asn (NM_201382.4); c.9166G>A, p.Asp3056Asn (NM_201383.3); c.9235G>A (NM_000445.3); short protein forms D3030N, D3079N, D3189N, D3020N, D3056N, D3038N, D3052N.
Identifiers: ClinVar variation 837247 (VCV000837247.12), dbSNP rs375732878, ClinGen allele CA4925056.